The following is an entry in ClinVar:

ClinVar aggregate classification (germline): Uncertain significance (1 of 4 stars; one submission).

Allele frequency attached by ClinVar (database versions not stated): TOPMed 0.00001; gnomAD 0.00001.
gnomAD v4.1: 1 of 1,596,050 alleles (0.000063%); highest among the groups gnomAD compares: African/African-American, 0.0014%; no homozygotes.

Submission:

Labcorp Genetics (formerly Invitae), Labcorp
Classification: Uncertain significance. Last evaluated: 2024-04-15. Review status: criteria provided, single submitter. Criteria: Invitae Variant Classification Sherloc (09022015). Collection method: clinical testing. Allele origin: germline.
Comment: This sequence change replaces valine, which is neutral and non-polar, with alanine, which is neutral and non-polar, at codon 463 of the DDX58 protein (p.Val463Ala). This variant is not present in population databases (gnomAD no frequency). This variant has not been reported in the literature in individuals affected with DDX58-related conditions. ClinVar contains an entry for this variant (Variation ID: 1924624). Advanced modeling of protein sequence and biophysical properties (such as structural, functional, and spatial information, amino acid conservation, physicochemical variation, residue mobility, and thermodynamic stability) performed at Invitae indicates that this missense variant is not expected to disrupt DDX58 protein function with a negative predictive value of 80%. In summary, the available evidence is currently insufficient to determine the role of this variant in disease. Therefore, it has been classified as a Variant of Uncertain Significance.

NM_014314.4(RIGI):c.1388T>C (p.Val463Ala)

Gene: RIGI (RNA sensor RIG-I; minus strand). Cytogenetic location: 9p21.1.
Variant type: single nucleotide variant.
Coding change: c.1388T>C on transcript NM_014314.4 (MANE Select); coding-DNA position 1388, T replaced by C.
Protein change: p.Val463Ala; replaces valine 463 with alanine.
Molecular consequence: missense variant.
Genome position (GRCh38, 1-based): chr9:32,485,267, A>G on the plus strand (T>C on the coding strand, the complement: RIGI is on the minus strand). VCF-style: chr9-32485267-A-G. GRCh37 (hg19) VCF-style: chr9-32485265-A-G.
Other names: c.1382T>C, p.Val461Ala (NM_001385907.1); c.1388T>C, p.Val463Ala (NM_001385909.1); c.947T>C, p.Val316Ala (NM_001385910.1); c.779T>C, p.Val260Ala (NM_001385912.1); c.1373T>C, p.Val458Ala (NM_001385913.1); c.944T>C, p.Val315Ala (NM_001385914.1); short protein forms V463A, V315A, V458A, V461A, V260A, V316A.
Identifiers: ClinVar variation 1924624 (VCV001924624.5), dbSNP rs1387914886, ClinGen allele CA373154943.
Genomic context (GRCh38, chr9:32,485,267, plus strand): 5'-TCTGTGTCCCTCATCAGCTGAGCTATGATGTATTTAAATTTGTCGCTAATCCGTGATTCC[A>G]CTTTCCTGAAAACTAGAGACGTCAAAAAAAAAAGAAAAAGAAAAAAAGAGTGAGTATATT-3'
Protein context (NP_055129.2, residues 453-473): VYKPQKFFRK[Val463Ala]ESRISDKFKY